The following is an entry in ClinVar:

ClinVar aggregate classification (germline): Uncertain significance. Review status: criteria provided, multiple submitters, no conflicts (2 of 4 stars). 3 submissions from 3 submitters: Uncertain significance (3). Last evaluated 2026-04-16.

Conditions:
Cardiovascular phenotype. Identifiers: MedGen CN230736.
Episodic pain syndrome, familial, 2 (FEPS2). Identifiers: Orphanet 306577, MedGen C3809893, MONDO:0014246, OMIM 615551.
Brugada syndrome. Also called: Sudden unexpected nocturnal death syndrome; Sudden unexplained nocturnal death syndrome; Sudden Unexplained Death Syndrome; Sudden Unexplained Nocturnal Death Syndrome (SUNDS). Identifiers: Orphanet 130, MedGen C1142166, MONDO:0015263.

Allele frequency attached by ClinVar (database versions not stated): ExAC 0.00001; gnomAD exomes below 0.00001.
gnomAD v4.1: 11 of 1,613,878 alleles (0.00068%); highest among the groups gnomAD compares: African/African-American, 0.0053%; no homozygotes.

Submissions (3):

Ambry Genetics
Classification: Uncertain significance for Cardiovascular phenotype. Last evaluated: 2026-04-16. Review status: criteria provided, single submitter. Criteria: Ambry Variant Classification Scheme 2023. Collection method: clinical testing. Allele origin: germline.

Labcorp Genetics (formerly Invitae), Labcorp
Classification: Uncertain significance for Brugada syndrome. Last evaluated: 2025-09-16. Review status: criteria provided, single submitter. Criteria: Invitae Variant Classification Sherloc (09022015). Collection method: clinical testing. Allele origin: germline.
Comment: This sequence change replaces proline, which is neutral and non-polar, with arginine, which is basic and polar, at codon 53 of the SCN10A protein (p.Pro53Arg). This variant is present in population databases (rs752235456, gnomAD 0.007%). This variant has not been reported in the literature in individuals affected with SCN10A-related conditions. ClinVar contains an entry for this variant (Variation ID: 1381378). Invitae Evidence Modeling of protein sequence and biophysical properties (such as structural, functional, and spatial information, amino acid conservation, physicochemical variation, residue mobility, and thermodynamic stability) indicates that this missense variant is not expected to disrupt SCN10A protein function with a negative predictive value of 80%. In summary, the available evidence is currently insufficient to determine the role of this variant in disease. Therefore, it has been classified as a Variant of Uncertain Significance.

Fulgent Genetics
Classification: Uncertain significance for Episodic pain syndrome, familial, 2. Last evaluated: 2021-07-01. Review status: criteria provided, single submitter. Criteria: ACMG Guidelines, 2015. Collection method: clinical testing. Allele origin: unknown.

NM_006514.4(SCN10A):c.158C>G (p.Pro53Arg)

Gene: SCN10A (sodium voltage-gated channel alpha subunit 10; minus strand). Cytogenetic location: 3p22.2.
Variant type: single nucleotide variant.
Coding change: c.158C>G on transcript NM_006514.4 (MANE Select); coding-DNA position 158, C replaced by G.
Protein change: p.Pro53Arg; replaces proline 53 with arginine.
Molecular consequence: missense variant.
Genome position (GRCh38, 1-based): chr3:38,793,853, G>C on the plus strand (C>G on the coding strand, the complement: SCN10A is on the minus strand). VCF-style: chr3-38793853-G-C. GRCh37 (hg19) VCF-style: chr3-38835344-G-C.
Other names: c.158C>G, p.Pro53Arg (NM_001293306.2, NM_001293307.2); c.158C>G (NM_006514.3); short protein forms P53R.
Identifiers: ClinVar variation 1381378 (VCV001381378.10), dbSNP rs752235456, ClinGen allele CA2321294.